The following is an entry in ClinVar:

NM_004821.3(HAND1):c.562C>G (p.Pro188Ala)

Gene: HAND1 (heart and neural crest derivatives expressed 1; minus strand). Cytogenetic location: 5q33.2.
Variant type: single nucleotide variant.
Coding change: c.562C>G on transcript NM_004821.3 (MANE Select); coding-DNA position 562, C replaced by G.
Protein change: p.Pro188Ala; replaces proline 188 with alanine.
Molecular consequence: missense variant.
Genome position (GRCh38, 1-based): chr5:154,475,892, G>C on the plus strand (C>G on the coding strand, the complement: HAND1 is on the minus strand). VCF-style: chr5-154475892-G-C. GRCh37 (hg19) VCF-style: chr5-153855452-G-C.
Other names: short protein forms P188A.
Identifiers: ClinVar variation 2469474 (VCV002469474.4), dbSNP rs929460819, ClinGen allele CA130058458.

ClinVar aggregate classification (germline): Uncertain significance. Review status: criteria provided, multiple submitters, no conflicts (2 of 4 stars). 2 submissions from 2 submitters: Uncertain significance (2). Last evaluated 2024-02-01.

Conditions:
Hypoplastic left heart syndrome. Also called: Hypoplastic left heart; Hypoplastic left ventricle. Identifiers: Orphanet 2248, MedGen C0152101, MONDO:0004933, HP:0004383.

Allele frequency attached by ClinVar (database versions not stated): gnomAD 0.00001; gnomAD exomes 0.00001; TOPMed 0.00001.
gnomAD v4.1: 11 of 1,613,712 alleles (0.00068%); highest among the groups gnomAD compares: Non-Finnish European, 0.00093%; no homozygotes.

Submissions (2):

Labcorp Genetics (formerly Invitae), Labcorp
Classification: Uncertain significance for Hypoplastic left heart syndrome. Last evaluated: 2024-02-01. Review status: criteria provided, single submitter. Criteria: Invitae Variant Classification Sherloc (09022015). Collection method: clinical testing. Allele origin: germline.
Comment: This sequence change replaces proline, which is neutral and non-polar, with alanine, which is neutral and non-polar, at codon 188 of the HAND1 protein (p.Pro188Ala). This variant is not present in population databases (gnomAD no frequency). This variant has not been reported in the literature in individuals affected with HAND1-related conditions. ClinVar contains an entry for this variant (Variation ID: 2469474). An algorithm developed to predict the effect of missense changes on protein structure and function (PolyPhen-2) suggests that this variant is likely to be tolerated. In summary, the available evidence is currently insufficient to determine the role of this variant in disease. Therefore, it has been classified as a Variant of Uncertain Significance.

Ambry Genetics
Classification: Uncertain significance. Last evaluated: 2023-02-23. Review status: criteria provided, single submitter. Criteria: Ambry Variant Classification Scheme 2023. Collection method: clinical testing. Allele origin: germline.